The following is an entry in ClinVar:

NM_000844.4(GRM7):c.2496T>G (p.Ser832Arg)

Gene: GRM7 (glutamate metabotropic receptor 7; plus strand). Cytogenetic location: 3p26.1.
Variant type: single nucleotide variant.
Coding change: c.2496T>G on transcript NM_000844.4 (MANE Select); coding-DNA position 2496, T replaced by G.
Protein change: p.Ser832Arg; replaces serine 832 with arginine.
Molecular consequence: missense variant.
Genome position (GRCh38, 1-based): chr3:7,680,093, T>G. VCF-style: chr3-7680093-T-G. GRCh37 (hg19) VCF-style: chr3-7721780-T-G.
Other names: c.2496T>G, p.Ser832Arg (NM_181874.3); short protein forms S832R.
Identifiers: ClinVar variation 1676787 (VCV001676787.2), dbSNP rs112115852, ClinGen allele CA351801792.

ClinVar aggregate classification (germline): Likely pathogenic (1 of 4 stars; one submission).

Conditions:
Neurodevelopmental disorder with seizures, hypotonia, and brain imaging abnormalities. Identifiers: MedGen C5394517, MONDO:0030063, OMIM 618922.

Submission:

Centre of Medical Genetics, University Hospital Muenster
Classification: Likely pathogenic for Neurodevelopmental disorder with seizures, hypotonia, and brain imaging abnormalities. Last evaluated: 2022-03-22. Review status: criteria provided, single submitter. Criteria: ACMG Guidelines, 2015. Collection method: clinical testing. Allele origin: germline. Affected: yes. Observed: 1 variant allele, 1 homozygote.
Comment: ACMG categories: PM1,PM2,PM3,PP2,PP3,BP1